The following is an entry in ClinVar:

ClinVar aggregate classification (germline): Likely benign. Review status: criteria provided, single submitter (1 of 4 stars). 2 submissions from 2 submitters: Likely benign (1). 1 of the submissions does not count toward it. Last evaluated 2025-06-27.

Conditions:
Atrial standstill 1 (ATRST1). Also called: ATRIAL CARDIOMYOPATHY WITH HEART BLOCK; CARDIOMYOPATHY, FAMILIAL, WITH CONDUCTION DISTURBANCE; Atrial standstill, digenic (GJA5/SCN5A). Identifiers: Orphanet 1344, MedGen C4551959, MONDO:0007171, OMIM 108770.
Atrial fibrillation, familial, 11 (ATFB11). Identifiers: MedGen C3279693, MONDO:0013544, OMIM 614049.
GJA5-related disorder. Also called: GJA5-related condition.

Allele frequency attached by ClinVar (database versions not stated): ExAC 0.00001; gnomAD 0.00001; gnomAD exomes 0.00001 and 0.00005; TOPMed 0.00003.

Submissions (2):

Labcorp Genetics (formerly Invitae), Labcorp
Classification: Likely benign for Atrial fibrillation, familial, 11; Atrial standstill 1. Last evaluated: 2025-06-27. Review status: criteria provided, single submitter. Criteria: Invitae Variant Classification Sherloc (09022015). Collection method: clinical testing. Allele origin: germline.

PreventionGenetics, part of Exact Sciences
Classification: Likely benign for GJA5-related condition. Last evaluated: 2021-08-11. Review status: no assertion criteria provided. Collection method: clinical testing. Allele origin: germline. Not counted in ClinVar's aggregate classification.
Comment: This variant is classified as likely benign based on ACMG/AMP sequence variant interpretation guidelines (Richards et al. 2015 PMID: 25741868, with internal and published modifications).

NM_181703.4(GJA5):c.258C>T (p.Ser86=)

Gene: GJA5 (gap junction protein alpha 5; minus strand). Cytogenetic location: 1q21.2.
Variant type: single nucleotide variant.
Coding change: c.258C>T on transcript NM_181703.4 (MANE Select); coding-DNA position 258, C replaced by T.
Protein change: p.Ser86=; no amino-acid change (serine 86 retained).
Molecular consequence: synonymous variant.
Genome position (GRCh38, 1-based): chr1:147,758,981, G>A on the plus strand (C>T on the coding strand, the complement: GJA5 is on the minus strand). VCF-style: chr1-147758981-G-A. GRCh37 (hg19) VCF-style: chr1-147231089-G-A.
Other names: c.258C>T, p.Ser86= (NM_005266.7); c.258C>T (NM_005266.6).
Identifiers: ClinVar variation 1630585 (VCV001630585.10), dbSNP rs782415947, ClinGen allele CA1065805.